The following is an entry in ClinVar:

ClinVar aggregate classification (germline): Benign/Likely benign. Review status: criteria provided, multiple submitters, no conflicts (2 of 4 stars). 10 submissions from 10 submitters: Benign (5); Likely benign (1). 4 of the submissions do not count toward it. Last evaluated 2026-02-01.

Conditions:
HS6ST1-related disorder. Also called: HS6ST1-related condition.
HYPOGONADOTROPIC HYPOGONADISM 15 WITH OR WITHOUT ANOSMIA, SUSCEPTIBILITY TO.
Hypogonadotropic hypogonadism 15 with or without anosmia (HH15). Identifiers: Orphanet 478, MedGen C3553977, MONDO:0013946, OMIM 614880.
Hypogonadotropic hypogonadism 7 with or without anosmia (HH7). Also called: HYPOGONADOTROPIC HYPOGONADISM 7 WITHOUT ANOSMIA; GNRHR-Related GnRH Deficiency. Identifiers: Orphanet 432, MedGen C0342384, MONDO:0007794, OMIM 146110.

Allele frequency attached by ClinVar (database versions not stated): ESP Exome Variant Server 0.00048; gnomAD 0.00063 and 0.00101; TOPMed 0.00077; gnomAD exomes 0.00188; 1000 Genomes Project 0.00200; 1000 Genomes Project 30x 0.00203; ExAC 0.00220.
gnomAD v4.1: 1,926 of 1,611,496 alleles (0.12%); highest among the groups gnomAD compares: South Asian, 1.2%; 21 homozygotes.

Submissions (10):

CeGaT Center for Human Genetics Tuebingen
Classification: Benign. Last evaluated: 2026-02-01. Review status: criteria provided, single submitter. Criteria: CeGaT Center For Human Genetics Tuebingen Variant Classification Criteria Version 2. Collection method: clinical testing. Allele origin: germline. Affected: yes. Observed: 1 variant allele.
Comment: HS6ST1: PP3, BS1, BS2

Labcorp Genetics (formerly Invitae), Labcorp
Classification: Likely benign. Last evaluated: 2025-10-02. Review status: criteria provided, single submitter. Criteria: Invitae Variant Classification Sherloc (09022015). Collection method: clinical testing. Allele origin: germline.

Mendelics
Classification: Benign for Hypogonadotropic hypogonadism 7 with or without anosmia. Last evaluated: 2023-08-22. Review status: criteria provided, single submitter. Criteria: Mendelics Assertion Criteria 2019. Collection method: clinical testing. Allele origin: germline.

GeneDx
Classification: Benign. Last evaluated: 2020-03-24. Review status: criteria provided, single submitter. Criteria: GeneDx Variant Classification Process June 2021. Collection method: clinical testing. Allele origin: germline. Affected: yes.
Comment: This variant is associated with the following publications: (PMID: 21700882, 23643382, 26207952, 27535533, 30669598)

Laboratory for Molecular Medicine, Mass General Brigham Personalized Medicine
Classification: Benign. Last evaluated: 2016-03-29. Review status: criteria provided, single submitter. Criteria: LMM Criteria. Collection method: clinical testing. Allele origin: germline.
Comment: Variant identified in a genome or exome case(s) and assessed due to predicted null impact of the variant or pathogenic assertions in the literature or databases. Disclaimer: This variant has not undergone full assessment. The following are preliminary notes: Frequency, unrelated to patient disease

Broad Center for Mendelian Genomics, Broad Institute of MIT and Harvard
Classification: Benign for Hypogonadotropic hypogonadism 15 with or without anosmia. Review status: criteria provided, single submitter. Criteria: ACMG Guidelines, 2015. Collection method: research. Allele origin: germline. Inheritance: Autosomal dominant inheritance. Affected: yes.
Comment: The heterozygous p.Arg382Trp variant in HS6ST1 has been identified in 6 individuals with idiopathic hypogonadotropic hypogonadism (PMID: 21700882, 23643382), and has been identified in >1% of South Asian chromosomes and 4 homozygotes by ExAC. In vitro functional studies provide some evidence that the p.Arg382Trp variant may silghtly impact protein function (PMID: 21700882). However, these types of assays may not accurately represent biological function. In summary, this variant meets criteria to be classified as benign for autosomal dominant idiopathic hypogonadotropic hypogonadism.

PreventionGenetics, part of Exact Sciences
Classification: Uncertain significance for HS6ST1-related condition. Last evaluated: 2023-12-20. Review status: no assertion criteria provided. Collection method: clinical testing. Allele origin: germline. Not counted in ClinVar's aggregate classification.
Comment: The HS6ST1 c.1144C>T variant is predicted to result in the amino acid substitution p.Arg382Trp. This variant has been reported in multiple unrelated patients with hypogonadotropic hypogonadism (referred to as R372W in Tornberg et al. 2011. PubMed ID: 21700882; Miraoui et al. 2013. PubMed ID: 23643382; Zhu et al. 2015. PubMed ID: 25636053), and was defined as a founder allele in Caucasian and South Asian ethnicities (Choi et al. 2015. PubMed ID: 26207952, Table 2). In vitro and in vivo functional studies showed that the p.Arg382Trp variant resulted in reduced enzymatic activity compared to wild-type (referred to as R372W in Tornberg et al. 2011. PubMed ID: 21700882). However, this variant is found at an allele frequency of up to ~1.12% in South Asian individuals (including 3 homozygotes) in a large population database of individuals with unknown phenotype, which is likely too common to be a primary cause of autosomal dominant disease. Of note, in a recent publication, this variant was found in a patient with milder adult-onset form of hypogonadotropic hypogonadism (Cangiano et al. 2019. PubMed ID: 30669598, Table S1). At this time, the clinical significance of this variant is uncertain due to the absence of conclusive functional and genetic evidence.

OMIM
Classification: risk factor for HYPOGONADOTROPIC HYPOGONADISM 15 WITH OR WITHOUT ANOSMIA, SUSCEPTIBILITY TO. Last evaluated: 2011-07-12. Review status: no assertion criteria provided. Collection method: literature only. Allele origin: germline. Not counted in ClinVar's aggregate classification.

Chan Lab, Boston Children's Hospital
Classification: Likely pathogenic for Hypogonadotrophic hypogonadism. Last evaluated: 2014-11-01. Review status: flagged submission. Criteria: Submitter's publication. Collection method: case-control. Allele origin: unknown. Affected: yes. Observed: 2 variant alleles. Not counted in ClinVar's aggregate classification.
ClinVar note: Reason: Outlier claim with insufficient supporting evidence

Department of Pathology and Laboratory Medicine, Sinai Health System
Classification: Uncertain significance. Review status: flagged submission. Collection method: clinical testing. Allele origin: unknown. Affected: yes. Study: The Canadian Open Genetics Repository (COGR). Not counted in ClinVar's aggregate classification.
Comment: The HS6ST1 p.R382W variant was identified in 5 of 1590 proband chromosomes (frequency: 0.00314) from individuals or families with idiopathic hypogonadotropic hypogonadism (Zhu_2015_PMID:25636053, Miraoui_2013_PMID:23643382, Tornberg_2011_PMID:21700882). The variant was identified in dbSNP (ID: rs199538589) and in ClinVar (classified as likely pathogenic by the Chan Lab at Boston Children's Hospital and benign by Laboratory for Molecular Medicine, Partners HealthCare Personalized Medicine with the associated condition of hypogonadotrophic hypogonadism). The variant was also identified in control databases in 480 of 278216 chromosomes (3 homozygous) at a frequency of 0.001725 increasing the likelihood this could be a low frequency benign variant (Genome Aggregation Database March 6, 2019, v2.1.1). The variant was observed in the following populations: South Asian in 337 of 30560 chromosomes (freq: 0.01103), Ashkenazi Jewish in 35 of 10268 chromosomes (freq: 0.003409), Latino in 31 of 35288 chromosomes (freq: 0.000879), African in 16 of 23958 chromosomes (freq: 0.000668), European (non-Finnish) in 56 of 126664 chromosomes (freq: 0.000442), Other in 3 of 7078 chromosomes (freq: 0.000424) and East Asian in 2 of 19480 chromosomes (freq: 0.000103), but was not observed in the European (Finnish) population. The p.Arg382 residue is conserved in mammals but not in more distantly related organisms, and four out of five computational analyses (PolyPhen-2, SIFT, AlignGVGD, BLOSUM, MutationTaster) suggest that the variant may impact the protein; however, this information is not predictive enough to assume pathogenicity. The variant occurs outside of the splicing consensus sequence and in silico or computational prediction software programs (SpliceSiteFinder, MaxEntScan, NNSPLICE, GeneSplicer) do not predict a difference in splicing. In vitro functional analysis demonstrated a 25 to 35% reduction in enzymatic activity with the p.R382W mutant compared to wildtype, and in an in vivo assay involving C. elegans, the p.R382W mutant displayed a reduced capacity to rescue a kal1-dependent axon branching phenotype compared to wildtype HS6ST1 (Tornberg_2011_PMID:21700882). In summary, based on the above information this variant meets our laboratory's criteria to be classified as benign.
ClinVar note: Reason: Outlier claim with insufficient supporting evidence

Literature cited by the submitters: PubMed 21700882 (cited by Broad Center for Mendelian Genomics, Broad Institute of MIT and Harvard and OMIM); PubMed 23643382 (cited by Broad Center for Mendelian Genomics, Broad Institute of MIT and Harvard); PubMed 27535533 (cited by OMIM).

NM_004807.3(HS6ST1):c.1144C>T (p.Arg382Trp)

Gene: HS6ST1 (heparan sulfate 6-O-sulfotransferase 1; minus strand). Cytogenetic location: 2q14.3.
Variant type: single nucleotide variant.
Coding change: c.1144C>T on transcript NM_004807.3 (MANE Select); coding-DNA position 1144, C replaced by T.
Protein change: p.Arg382Trp; replaces arginine 382 with tryptophan.
Molecular consequence: missense variant.
Genome position (GRCh38, 1-based): chr2:128,268,254, G>A on the plus strand (C>T on the coding strand, the complement: HS6ST1 is on the minus strand). VCF-style: chr2-128268254-G-A. GRCh37 (hg19) VCF-style: chr2-129025828-G-A.
Other names: R372W; short protein forms R382W.
Identifiers: ClinVar variation 180161 (VCV000180161.26), dbSNP rs199538589, ClinGen allele CA185895.
Genomic context (GRCh38, chr2:128,268,254, plus strand): 5'-CCTCGGTGGGCACGCGGCCCGGCTCGTCGGCATCCTCCCGCGGCAGTGCCTCCTTGGCCC[G>A]GTGCAGCAGACGCTCCTCGCGGCTCCTCAGGCGCTGCTCCCTGCGCTCCAGCTGCCGCTT-3'
Protein context (NP_004798.3, residues 372-392): LRSREERLLH[Arg382Trp]AKEALPREDA